The following is an entry in ClinVar:

NM_001100.4(ACTA1):c.284A>G (p.Glu95Gly)

Gene: ACTA1 (actin alpha 1, skeletal muscle; minus strand). Cytogenetic location: 1q42.13.
Variant type: single nucleotide variant.
Coding change: c.284A>G on transcript NM_001100.4 (MANE Select); coding-DNA position 284, A replaced by G.
Protein change: p.Glu95Gly; replaces glutamic acid 95 with glycine.
Molecular consequence: missense variant.
Genome position (GRCh38, 1-based): chr1:229,432,726, T>C on the plus strand (A>G on the coding strand, the complement: ACTA1 is on the minus strand). VCF-style: chr1-229432726-T-C. GRCh37 (hg19) VCF-style: chr1-229568473-T-C.
Other names: short protein forms E95G.
Identifiers: ClinVar variation 2697196 (VCV002697196.3), dbSNP rs2527439193, ClinGen allele CA345150104.
Genomic context (GRCh38, chr1:229,432,726, plus strand): 5'-TTGGGATTGAGGGGGGCCTCGGTGAGCAGGGTGGGGTGCTCCTCGGGAGCCACGCGAAGC[T>C]CGTTGTAGAAGGTGTGGTGCCAGATCTTCTCCATGTCATCCCAGTTGGTGATGATGCCGT-3'
Protein context (NP_001091.1, residues 85-105): EKIWHHTFYN[Glu95Gly]LRVAPEEHPT

ClinVar aggregate classification (germline): Pathogenic (1 of 4 stars; one submission).

Conditions:
Actin accumulation myopathy (CMYO2A). Also called: CONGENITAL MYOPATHY 2A, TYPICAL, AUTOSOMAL DOMINANT; Myopathy, actin, congenital, with cores; Nemaline myopathy 3, with intranuclear rods; Nemaline myopathy type 3; Myopathy, actin, congenital, with excess of thin myofilaments. Identifiers: Orphanet 98904, MedGen C3711389, MONDO:0008070, OMIM 161800.

Submission:

Labcorp Genetics (formerly Invitae), Labcorp
Classification: Pathogenic for Actin accumulation myopathy. Last evaluated: 2024-07-29. Review status: criteria provided, single submitter. Criteria: Invitae Variant Classification Sherloc (09022015). Collection method: clinical testing. Allele origin: germline.
Comment: This sequence change replaces glutamic acid, which is acidic and polar, with glycine, which is neutral and non-polar, at codon 95 of the ACTA1 protein (p.Glu95Gly). This variant is not present in population databases (gnomAD no frequency). This missense change has been observed in individual(s) with autosomal dominant ACTA1-related conditions (Invitae). In at least one individual the variant was observed to be de novo. Advanced modeling of protein sequence and biophysical properties (such as structural, functional, and spatial information, amino acid conservation, physicochemical variation, residue mobility, and thermodynamic stability) has been performed at Invitae for this missense variant, however the output from this modeling did not meet the statistical confidence thresholds required to predict the impact of this variant on ACTA1 protein function. This variant disrupts the p.Glu95 amino acid residue in ACTA1. Other variant(s) that disrupt this residue have been determined to be pathogenic (PMID: 21520333; Invitae). This suggests that this residue is clinically significant, and that variants that disrupt this residue are likely to be disease-causing. For these reasons, this variant has been classified as Pathogenic.

Literature cited by the submitters: PubMed 21520333.